The following is an entry in ClinVar:

ClinVar aggregate classification (germline): Conflicting classifications of pathogenicity. Review status: criteria provided, conflicting classifications (1 of 4 stars). 2 submissions from 2 submitters: Uncertain significance (1); Likely benign (1). Last evaluated 2026-05-15.

Conditions:
Chuvash polycythemia. Also called: POLYCYTHEMIA, VHL-DEPENDENT. Identifiers: Orphanet 238557, MedGen C1837915, MONDO:0009892, OMIM 263400.
Von Hippel-Lindau syndrome (VHLS). Also called: von Hippel–Lindau syndrome; VHL syndrome; Von Hippel-Lindau. Identifiers: Orphanet 892, MedGen C0019562, MONDO:0008667, OMIM 193300. Disease mechanism: loss of function.
Hereditary cancer-predisposing syndrome. Also called: Neoplastic Syndromes, Hereditary; Tumor predisposition; Hereditary Cancer Syndrome; Hereditary neoplastic syndrome. Identifiers: Orphanet 140162, MedGen C0027672, MeSH D009386, MONDO:0015356.

gnomAD v4.1: 1 of 1,613,994 alleles (0.000062%); highest among the groups gnomAD compares: South Asian, 0.0011%; no homozygotes.

Submissions (2):

Ambry Genetics
Classification: Likely benign for Hereditary cancer-predisposing syndrome. Last evaluated: 2026-05-15. Review status: criteria provided, single submitter. Criteria: Ambry Variant Classification Scheme 2023. Collection method: clinical testing. Allele origin: germline.

Labcorp Genetics (formerly Invitae), Labcorp
Classification: Uncertain significance for Von Hippel-Lindau syndrome; Chuvash polycythemia. Last evaluated: 2023-04-08. Review status: criteria provided, single submitter. Criteria: Invitae Variant Classification Sherloc (09022015). Collection method: clinical testing. Allele origin: germline.
Comment: This variant has not been reported in the literature in individuals affected with VHL-related conditions. This variant is not present in population databases (gnomAD no frequency). This sequence change replaces valine, which is neutral and non-polar, with methionine, which is neutral and non-polar, at codon 137 of the VHL protein (p.Val137Met). ClinVar contains an entry for this variant (Variation ID: 1737815). In summary, the available evidence is currently insufficient to determine the role of this variant in disease. Therefore, it has been classified as a Variant of Uncertain Significance. Advanced modeling of protein sequence and biophysical properties (such as structural, functional, and spatial information, amino acid conservation, physicochemical variation, residue mobility, and thermodynamic stability) performed at Invitae indicates that this missense variant is expected to disrupt VHL protein function.

Literature cited by the submitters: PubMed 38969834 (cited by Ambry Genetics).

NM_000551.4(VHL):c.409G>A (p.Val137Met)

Genes: VHL (von Hippel-Lindau tumor suppressor; plus strand), LOC107303340 (3p25 von Hippel-Lindau tumor suppressor, E3 ubiquitin protein ligase Alu-mediated recombination region; plus strand). Cytogenetic location: 3p25.3.
Variant type: single nucleotide variant.
Coding change: c.409G>A on transcript NM_000551.4 (MANE Select); coding-DNA position 409, G replaced by A.
Protein change: p.Val137Met; replaces valine 137 with methionine.
Molecular consequence: missense variant. On other transcripts: intron variant (2).
Genome position (GRCh38, 1-based): chr3:10,146,582, G>A. VCF-style: chr3-10146582-G-A. GRCh37 (hg19) VCF-style: chr3-10188266-G-A.
Other names: c.*18-3205G>A (NM_001354723.2); c.341-3205G>A (NM_198156.3); short protein forms V137M.
Identifiers: ClinVar variation 1737815 (VCV001737815.6), dbSNP rs1362915830, ClinGen allele CA351754057.
Genomic context (GRCh38, chr3:10,146,582, plus strand): 5'-TGGCTCTTCAGAGATGCAGGGACACACGATGGGCTTCTGGTTAACCAAACTGAATTATTT[G>A]TGCCATCTCTCAATGTTGACGGACAGCCTATTTTTGCCAATATCACACTGCCAGGTACTG-3'
Protein context (NP_000542.1, residues 127-147): GLLVNQTELF[Val137Met]PSLNVDGQPI